The following is an entry in ClinVar:

ClinVar aggregate classification (germline): Uncertain significance. Review status: criteria provided, multiple submitters, no conflicts (2 of 4 stars). 3 submissions from 3 submitters: Uncertain significance (3). Last evaluated 2025-10-22.

Conditions:
Epidermolysis bullosa simplex, Ogna type (EBS5A). Also called: Pidermolysis bullosa simplex 5A, Ogna type; EPIDERMOLYSIS BULLOSA SIMPLEX 5A, OGNA TYPE. Identifiers: Orphanet 79401, MedGen C0432317, MONDO:0007555, OMIM 131950.
Autosomal recessive limb-girdle muscular dystrophy type 2Q (LGMDR17). Also called: MUSCULAR DYSTROPHY, LIMB-GIRDLE, AUTOSOMAL RECESSIVE 17. Identifiers: Orphanet 254361, MedGen C3150989, MONDO:0013390, OMIM 613723.
Epidermolysis bullosa simplex with nail dystrophy (EBS5D). Identifiers: MedGen C4225309, MONDO:0014661, OMIM 616487.
Epidermolysis bullosa simplex 5B, with muscular dystrophy (EBS5B). Also called: Epidermolysis bullosa simplex with muscular dystrophy; EPIDERMOLYSIS BULLOSA SIMPLEX AND LIMB-GIRDLE MUSCULAR DYSTROPHY. Identifiers: Orphanet 257, MedGen C2931072, MONDO:0009181, OMIM 226670.
Epidermolysis bullosa simplex 5C, with pyloric atresia (EBS5C). Also called: PLEC-Related Epidermolysis Bullosa with Pyloric Atresia; Epidermolysis bullosa simplex with pyloric atresia; PLEC1-Related Epidermolysis Bullosa with Pyloric Atresia. Identifiers: Orphanet 158684, MedGen C2677349, MONDO:0012807, OMIM 612138.

Allele frequency attached by ClinVar (database versions not stated): TOPMed below 0.00001; gnomAD 0.00001; gnomAD exomes 0.00001.
gnomAD v4.1: 22 of 1,535,254 alleles (0.0014%); highest among the groups gnomAD compares: South Asian, 0.0047%; no homozygotes.

Submissions (3):

Labcorp Genetics (formerly Invitae), Labcorp
Classification: Uncertain significance for Autosomal recessive limb-girdle muscular dystrophy type 2Q; Epidermolysis bullosa simplex, Ogna type; Epidermolysis bullosa simplex with nail dystrophy; Epidermolysis bullosa simplex 5C, with pyloric atresia; Epidermolysis bullosa simplex 5B, with muscular dystrophy. Last evaluated: 2025-10-22. Review status: criteria provided, single submitter. Criteria: Invitae Variant Classification Sherloc (09022015). Collection method: clinical testing. Allele origin: germline.
Comment: This sequence change replaces alanine, which is neutral and non-polar, with threonine, which is neutral and polar, at codon 1831 of the PLEC protein (p.Ala1831Thr). This variant is present in population databases (no rsID available, gnomAD 0.01%). This variant has not been reported in the literature in individuals affected with PLEC-related conditions. ClinVar contains an entry for this variant (Variation ID: 642594). Experimental studies and prediction algorithms are not available or were not evaluated, and the functional significance of this variant is currently unknown. In summary, the available evidence is currently insufficient to determine the role of this variant in disease. Therefore, it has been classified as a Variant of Uncertain Significance.

Revvity Omics, Revvity
Classification: Uncertain significance. Last evaluated: 2024-10-23. Review status: criteria provided, single submitter. Criteria: ACMG Guidelines, 2015. Collection method: clinical testing. Allele origin: germline.

Athena Diagnostics
Classification: Uncertain significance. Last evaluated: 2022-03-01. Review status: criteria provided, single submitter. Criteria: Athena Diagnostics Criteria. Collection method: clinical testing. Allele origin: unknown.

NM_201384.3(PLEC):c.5410G>A (p.Ala1804Thr)

Gene: PLEC (plectin; minus strand). Cytogenetic location: 8q24.3.
Variant type: single nucleotide variant.
Coding change: c.5410G>A on transcript NM_201384.3 (MANE Select); coding-DNA position 5410, G replaced by A.
Protein change: p.Ala1804Thr; replaces alanine 1804 with threonine.
Molecular consequence: missense variant.
Genome position (GRCh38, 1-based): chr8:143,924,519, C>T on the plus strand (G>A on the coding strand, the complement: PLEC is on the minus strand). VCF-style: chr8-143924519-C-T. GRCh37 (hg19) VCF-style: chr8-144998687-C-T.
Other names: c.5491G>A, p.Ala1831Thr (NM_000445.5); c.5368G>A, p.Ala1790Thr (NM_201378.4); c.5344G>A, p.Ala1782Thr (NM_201379.3); c.5821G>A, p.Ala1941Thr (NM_201380.4); c.5314G>A, p.Ala1772Thr (NM_201381.3); c.5410G>A, p.Ala1804Thr (NM_201382.4); c.5422G>A, p.Ala1808Thr (NM_201383.3); short protein forms A1831T, A1772T, A1790T, A1804T, A1782T, A1808T, A1941T.
Identifiers: ClinVar variation 642594 (VCV000642594.8), dbSNP rs984387491, ClinGen allele CA372545366.